The following is an entry in ClinVar:

ClinVar aggregate classification (germline): Pathogenic (1 of 4 stars; one submission).

Conditions:
Joubert syndrome. Also called: JOUBERT-BOLTSHAUSER SYNDROME; Familial aplasia of the vermis. Identifiers: Orphanet 475, MedGen C5979921, MONDO:0018772.
Meckel-Gruber syndrome. Also called: DYSENCEPHALIA SPLANCHNOCYSTICA; GRUBER SYNDROME; Dysencephalia splachnocystica. Identifiers: Orphanet 564, MedGen C0265215, MONDO:0018921.

Submission:

Labcorp Genetics (formerly Invitae), Labcorp
Classification: Pathogenic for Joubert syndrome; Meckel-Gruber syndrome. Last evaluated: 2023-12-01. Review status: criteria provided, single submitter. Criteria: Invitae Variant Classification Sherloc (09022015). Collection method: clinical testing. Allele origin: germline.
Comment: This sequence change creates a premature translational stop signal (p.Lys9*) in the CC2D2A gene. It is expected to result in an absent or disrupted protein product. Loss-of-function variants in CC2D2A are known to be pathogenic (PMID: 19777577). This variant is not present in population databases (gnomAD no frequency). This variant has not been reported in the literature in individuals affected with CC2D2A-related conditions. For these reasons, this variant has been classified as Pathogenic.

Literature cited by the submitters: PubMed 19777577.

NM_001378615.1(CC2D2A):c.25A>T (p.Lys9Ter)

Genes: CC2D2A (coiled-coil and C2 domain containing 2A; plus strand), FBXL5 (F-box and leucine rich repeat protein 5; minus strand). Cytogenetic location: 4p15.32.
Variant type: single nucleotide variant.
Coding change: c.25A>T on transcript NM_001378615.1 (MANE Select); coding-DNA position 25, A replaced by T.
Protein change: p.Lys9Ter; replaces lysine 9 with a stop codon.
Molecular consequence: nonsense.
Genome position (GRCh38, 1-based): chr4:15,475,957, A>T. VCF-style: chr4-15475957-A-T. GRCh37 (hg19) VCF-style: chr4-15477581-A-T.
Other names: c.25A>T, p.Lys9Ter (NM_001080522.2, NM_001164720.3, NM_020785.2); short protein forms K9*.
Identifiers: ClinVar variation 2949043 (VCV002949043.3), dbSNP rs2474814382, ClinGen allele CA356407004.
Genomic context (GRCh38, chr4:15,475,957, plus strand): 5'-TTCATTGTTCTTTGTCAGGGACCCATCCCAGCCAAAATGAATCCCAGGGAAGAAAAAGTA[A>T]AAATAATTACAGAGGTAAGTGGCCACTTTGATGTCCTCTAGGGATGTGTTTGTGTGTGCA-3'